The following is an entry in ClinVar:

NM_001367943.1(TCF7L2):c.1710C>T (p.Asn570=)

Gene: TCF7L2 (transcription factor 7 like 2; plus strand). Cytogenetic location: 10q25.3.
Variant type: single nucleotide variant.
Coding change: c.1710C>T on transcript NM_001367943.1 (MANE Select); coding-DNA position 1710, C replaced by T.
Protein change: p.Asn570=; no amino-acid change (asparagine 570 retained).
Molecular consequence: synonymous variant. On other transcripts: 3 prime UTR variant (12).
Genome position (GRCh38, 1-based): chr10:113,165,822, C>T. VCF-style: chr10-113165822-C-T. GRCh37 (hg19) VCF-style: chr10-114925581-C-T.
Other names: c.1659C>T, p.Asn553= (NM_001146274.2); c.*188C>T (NM_001146283.2, NM_001146284.2, NM_001146286.2 and 4 more transcripts); c.1590C>T, p.Asn530= (NM_001146285.2, NM_001198526.2); c.*298C>T (NM_001198525.2); c.*286C>T (NM_001198527.2, NM_001198528.2, NM_001349870.2 and 1 more transcripts); c.1641C>T, p.Asn547= (NM_030756.5).
Identifiers: ClinVar variation 3778090 (VCV003778090.7).
Genomic context (GRCh38, chr10:113,165,822, plus strand): 5'-TCCGCCACCCGCCCTCCTGCTCGCTGAGGCCACCCACAAGGCCTCCGCCCTCTGTCCCAA[C>T]GGGGCCCTGGACCTGCCCCCAGCCGCTTTGCAGCCTGCCGCCCCCTCCTCATCAATTGCA-3'
Protein context (NP_001354872.1, residues 560-580): ATHKASALCP[Asn570=]GALDLPPAAL

ClinVar aggregate classification (germline): Likely benign (1 of 4 stars; one submission).

gnomAD v4.1: 39 of 1,606,052 alleles (0.0024%); highest among the groups gnomAD compares: East Asian, 0.013%; no homozygotes.

Submission:

CeGaT Center for Human Genetics Tuebingen
Classification: Likely benign. Last evaluated: 2025-03-01. Review status: criteria provided, single submitter. Criteria: CeGaT Center For Human Genetics Tuebingen Variant Classification Criteria Version 2. Collection method: clinical testing. Allele origin: germline. Affected: yes. Observed: 1 variant allele.
Comment: TCF7L2: BP4, BP7